The following is an entry in ClinVar:

NM_025132.4(WDR19):c.3113G>A (p.Arg1038Gln)

Gene: WDR19 (WD repeat domain 19; plus strand). Cytogenetic location: 4p14.
Variant type: single nucleotide variant.
Coding change: c.3113G>A on transcript NM_025132.4 (MANE Select); coding-DNA position 3113, G replaced by A.
Protein change: p.Arg1038Gln; replaces arginine 1038 with glutamine.
Molecular consequence: missense variant.
Genome position (GRCh38, 1-based): chr4:39,255,959, G>A. VCF-style: chr4-39255959-G-A. GRCh37 (hg19) VCF-style: chr4-39257579-G-A.
Other names: c.2633G>A, p.Arg878Gln (NM_001317924.2); c.3113G>A (NM_025132.3); short protein forms R878Q, R1038Q.
Identifiers: ClinVar variation 1041836 (VCV001041836.7), dbSNP rs1322637464, ClinGen allele CA356642346.

ClinVar aggregate classification (germline): Uncertain significance. Review status: criteria provided, multiple submitters, no conflicts (2 of 4 stars). 3 submissions from 3 submitters: Uncertain significance (3). Last evaluated 2025-06-19.

Conditions:
Inborn genetic diseases. Identifiers: MedGen C0950123, MeSH D030342.
Asphyxiating thoracic dystrophy 5 (SRTD5). Also called: SHORT-RIB THORACIC DYSPLASIA 5 WITH OR WITHOUT POLYDACTYLY; SHORT-RIB THORACIC DYSPLASIA 5 WITHOUT POLYDACTYLY. Identifiers: Orphanet 474, MedGen C3280598, MONDO:0013717, OMIM 614376.
Senior-Loken syndrome 8 (SLSN8). Identifiers: Orphanet 3156, MedGen C4225376, MONDO:0014579, OMIM 616307.

Allele frequency attached by ClinVar (database versions not stated): gnomAD exomes 0.00001; TOPMed 0.00001; gnomAD 0.00002.
gnomAD v4.1: 11 of 1,517,512 alleles (0.00072%); highest among the groups gnomAD compares: Admixed American, 0.0076%; no homozygotes.

Submissions (3):

Ambry Genetics
Classification: Uncertain significance for Inborn genetic diseases. Last evaluated: 2025-06-19. Review status: criteria provided, single submitter. Criteria: Ambry Variant Classification Scheme 2023. Collection method: clinical testing. Allele origin: germline.

Labcorp Genetics (formerly Invitae), Labcorp
Classification: Uncertain significance for Senior-Loken syndrome 8; Asphyxiating thoracic dystrophy 5. Last evaluated: 2024-02-24. Review status: criteria provided, single submitter. Criteria: Invitae Variant Classification Sherloc (09022015). Collection method: clinical testing. Allele origin: germline.
Comment: This sequence change replaces arginine, which is basic and polar, with glutamine, which is neutral and polar, at codon 1038 of the WDR19 protein (p.Arg1038Gln). The frequency data for this variant in the population databases is considered unreliable, as metrics indicate poor data quality at this position in the gnomAD database. This variant has not been reported in the literature in individuals affected with WDR19-related conditions. ClinVar contains an entry for this variant (Variation ID: 1041836). An algorithm developed to predict the effect of missense changes on protein structure and function (PolyPhen-2) suggests that this variant¬¨‚Ä†is likely to be tolerated. In summary, the available evidence is currently insufficient to determine the role of this variant in disease. Therefore, it has been classified as a Variant of Uncertain Significance.

Blueprint Genetics
Classification: Uncertain significance. Last evaluated: 2019-03-14. Review status: criteria provided, single submitter. Criteria: ACMG Guidelines, 2015. Collection method: clinical testing. Allele origin: germline.